The following is an entry in ClinVar:

NM_144670.6(A2ML1):c.63-4A>G

Genes: A2ML1 (alpha-2-macroglobulin like 1; plus strand), A2ML1-AS1 (A2ML1 antisense RNA 1; minus strand). Cytogenetic location: 12p13.31.
Variant type: single nucleotide variant.
Coding change: c.63-4A>G on transcript NM_144670.6 (MANE Select); 4 bases into the intron before coding-DNA position 63, A replaced by G.
Molecular consequence: intron variant.
Genome position (GRCh38, 1-based): chr12:8,823,178, A>G. VCF-style: chr12-8823178-A-G. GRCh37 (hg19) VCF-style: chr12-8975774-A-G.
Identifiers: ClinVar variation 413824 (VCV000413824.14), dbSNP rs200007710, ClinGen allele CA6435160.

ClinVar aggregate classification (germline): Benign/Likely benign. Review status: criteria provided, multiple submitters, no conflicts (2 of 4 stars). 3 submissions from 3 submitters: Benign (1); Likely benign (1). 1 of the submissions does not count toward it. Last evaluated 2026-01-19.

Conditions:
A2ML1-related disorder. Also called: A2ML1-related condition.

Allele frequency attached by ClinVar (database versions not stated): gnomAD exomes 0.00024 and 0.00044; TOPMed 0.00027; gnomAD 0.00034 and 0.00036; ExAC 0.00039; ESP Exome Variant Server 0.00042.
gnomAD v4.1: 432 of 1,612,388 alleles (0.027%); highest among the groups gnomAD compares: Middle Eastern, 0.083%; no homozygotes.

Submissions (3):

Labcorp Genetics (formerly Invitae), Labcorp
Classification: Likely benign. Last evaluated: 2026-01-19. Review status: criteria provided, single submitter. Criteria: Invitae Variant Classification Sherloc (09022015). Collection method: clinical testing. Allele origin: germline.

Women's Health and Genetics/Laboratory Corporation of America, LabCorp
Classification: Benign. Last evaluated: 2020-11-16. Review status: criteria provided, single submitter. Criteria: LabCorp Variant Classification Summary - May 2015. Collection method: clinical testing. Allele origin: germline.
Comment: Variant summary: A2ML1 c.63-4A>G alters a non-conserved nucleotide located close to a canonical splice site and therefore could affect mRNA splicing, leading to a significantly altered protein sequence. Several computational tools predict a significant impact on normal splicing: Four predict the variant creates a 3 acceptor site. One predicts the variant abolishes a canonical 3 acceptor site. Two predict the variant weakens a canonical 3 acceptor site. However, these predictions have yet to be confirmed by functional studies. The variant allele was found at a frequency of 0.00044 in 247404 control chromosomes. The observed variant frequency is approximately 110 fold of the estimated maximal expected allele frequency for a pathogenic variant in A2ML1 causing Noonan Syndrome phenotype (4e-06), strongly suggesting that the variant is benign. To our knowledge, no occurrence of c.63-4A>G in individuals affected with Noonan Syndrome and no experimental evidence demonstrating its impact on protein function have been reported. One ClinVar submitter (evaluation after 2014) cites the variant as likely benign. Based on the evidence outlined above, the variant was classified as benign.

PreventionGenetics, part of Exact Sciences
Classification: Likely benign for A2ML1-related condition. Last evaluated: 2019-02-22. Review status: no assertion criteria provided. Collection method: clinical testing. Allele origin: germline. Not counted in ClinVar's aggregate classification.
Comment: This variant is classified as likely benign based on ACMG/AMP sequence variant interpretation guidelines (Richards et al. 2015 PMID: 25741868, with internal and published modifications).